The following is an entry in ClinVar:

ClinVar aggregate classification (germline): Conflicting classifications of pathogenicity. Review status: criteria provided, conflicting classifications (1 of 4 stars). 2 submissions from 2 submitters: Uncertain significance (1); Likely benign (1). Last evaluated 2024-06-04.

Conditions:
Arrhythmogenic cardiomyopathy with wooly hair and keratoderma. Also called: PALMOPLANTAR KERATODERMA WITH LEFT VENTRICULAR CARDIOMYOPATHY AND WOOLLY HAIR; Carvajal syndrome; Dilated cardiomyopathy with woolly hair and keratoderma; Arrhythmogenic cardiomyopathy with woolly hair and keratoderma. Identifiers: Orphanet 65282, MedGen C1854063, MONDO:0011581, OMIM 605676.
Arrhythmogenic right ventricular dysplasia 8 (ARVD8). Also called: Arrhythmogenic Right Ventricular Dysplasia/Cardiomyopathy 8; ARRHYTHMOGENIC RIGHT VENTRICULAR DYSPLASIA, FAMILIAL, 8; ARRHYTHMOGENIC RIGHT VENTRICULAR CARDIOMYOPATHY 8. Identifiers: MedGen C1843896, MONDO:0011831, OMIM 607450.
Cardiovascular phenotype. Identifiers: MedGen CN230736.

Allele frequency attached by ClinVar (database versions not stated): gnomAD exomes below 0.00001; ExAC 0.00001; ESP Exome Variant Server 0.00008.
gnomAD v4.1: 1 of 1,614,184 alleles (0.000062%); highest among the groups gnomAD compares: Non-Finnish European, 0.000085%; no homozygotes.

Submissions (2):

Labcorp Genetics (formerly Invitae), Labcorp
Classification: Likely benign for Arrhythmogenic cardiomyopathy with wooly hair and keratoderma; Arrhythmogenic right ventricular dysplasia 8. Last evaluated: 2024-06-04. Review status: criteria provided, single submitter. Criteria: Invitae Variant Classification Sherloc (09022015). Collection method: clinical testing. Allele origin: germline.

Ambry Genetics
Classification: Uncertain significance for Cardiovascular phenotype. Last evaluated: 2019-01-02. Review status: criteria provided, single submitter. Criteria: Ambry Variant Classification Scheme 2023. Collection method: clinical testing. Allele origin: germline.
Comment: The p.H2195R variant (also known as c.6584A>G), located in coding exon 24 of the DSP gene, results from an A to G substitution at nucleotide position 6584. The histidine at codon 2195 is replaced by arginine, an amino acid with highly similar properties. This amino acid position is not well conserved in available vertebrate species. In addition, this alteration is predicted to be tolerated by in silico analysis. Since supporting evidence is limited at this time, the clinical significance of this alteration remains unclear.

NM_004415.4(DSP):c.6584A>G (p.His2195Arg)

Gene: DSP (desmoplakin; plus strand). Cytogenetic location: 6p24.3.
Variant type: single nucleotide variant.
Coding change: c.6584A>G on transcript NM_004415.4 (MANE Select); coding-DNA position 6584, A replaced by G.
Protein change: p.His2195Arg; replaces histidine 2195 with arginine.
Molecular consequence: missense variant.
Genome position (GRCh38, 1-based): chr6:7,583,846, A>G. VCF-style: chr6-7583846-A-G. GRCh37 (hg19) VCF-style: chr6-7584079-A-G.
Other names: c.4787A>G, p.His1596Arg (NM_001008844.3); c.5255A>G, p.His1752Arg (NM_001319034.2); short protein forms H1752R, H1596R, H2195R.
Identifiers: ClinVar variation 1754322 (VCV001754322.4), dbSNP rs144923278, ClinGen allele CA048026.
Genomic context (GRCh38, chr6:7,583,846, plus strand): 5'-CAGTCACCAAAAAGAAGGTCAGTTACGTGCAGCTGAAGGAACGGTGCAGAATCGAACCAC[A>G]TACTGGTCTGCTCTTGCTTTCAGTACAGAAGAGAAGCATGTCCTTCCAAGGAATCAGACA-3'
Protein context (NP_004406.2, residues 2185-2205): QLKERCRIEP[His2195Arg]TGLLLLSVQK